The following is an entry in ClinVar:

ClinVar aggregate classification (germline): Likely benign (1 of 4 stars; one submission).

Submission:

CeGaT Center for Human Genetics Tuebingen
Classification: Likely benign. Last evaluated: 2026-07-01. Review status: criteria provided, single submitter. Criteria: CeGaT Center For Human Genetics Tuebingen Variant Classification Criteria Version 2. Collection method: clinical testing. Allele origin: germline. Affected: yes. Observed: 1 variant allele.
Comment: MUC16: BP4, BP7

NM_001401501.2(MUC16):c.27324C>T (p.Ser9108=)

Gene: MUC16 (mucin 16, cell surface associated; minus strand). Cytogenetic location: 19p13.2.
Variant type: single nucleotide variant.
Coding change: c.27324C>T on transcript NM_001401501.2 (MANE Select); coding-DNA position 27324, C replaced by T.
Protein change: p.Ser9108=; no amino-acid change (serine 9108 retained).
Molecular consequence: synonymous variant.
Genome position (GRCh38, 1-based): chr19:8,949,566, G>A on the plus strand (C>T on the coding strand, the complement: MUC16 is on the minus strand). VCF-style: chr19-8949566-G-A. GRCh37 (hg19) VCF-style: chr19-9060242-G-A.
Other names: c.27750C>T, p.Ser9250= (NM_001414686.1); c.27204C>T, p.Ser9068= (NM_001414687.1, NM_024690.2).
Identifiers: ClinVar variation 5039518 (VCV005039518.1).